The following is an entry in ClinVar:

NM_000545.8(HNF1A):c.140G>A (p.Gly47Glu)

Gene: HNF1A (HNF1 homeobox A; plus strand). Cytogenetic location: 12q24.31.
Variant type: single nucleotide variant.
Coding change: c.140G>A on transcript NM_000545.8 (MANE Select); coding-DNA position 140, G replaced by A.
Protein change: p.Gly47Glu; replaces glycine 47 with glutamic acid.
Molecular consequence: missense variant.
Genome position (GRCh38, 1-based): chr12:120,978,908, G>A. VCF-style: chr12-120978908-G-A. GRCh37 (hg19) VCF-style: chr12-121416711-G-A.
Other names: NM_001306179.2:c.140G>A; NM_000545.8(HNF1A):c.140G>A; p.Gly47Glu; c.140G>A, p.Gly47Glu (NM_001306179.2); short protein forms G47E.
Identifiers: ClinVar variation 1676684 (VCV001676684.5), dbSNP rs1391743259, ClinGen allele CA386953149.
Genomic context (GRCh38, chr12:120,978,908, plus strand): 5'-TCCAGGCACTGGGTGAGCCGGGGCCCTACCTCCTGGCTGGAGAAGGCCCCCTGGACAAGG[G>A]GGAGTCCTGCGGCGGCGGTCGAGGGGAGCTGGCTGAGCTGCCCAATGGGCTGGGGGAGAC-3'
Protein context (NP_000536.6, residues 37-57): LLAGEGPLDK[Gly47Glu]ESCGGGRGEL

ClinVar aggregate classification (germline): Uncertain significance. Review status: reviewed by expert panel (3 of 4 stars). 2 submissions from 2 submitters: Uncertain significance (1). 1 of the submissions does not count toward it. Last evaluated 2026-02-06.

Conditions:
Monogenic diabetes. Identifiers: Orphanet 183625, MedGen C3888631, MONDO:0015967.
Diabetes mellitus type 1 (T1D). Also called: Diabetes Mellitus, Juvenile-Onset; Type I diabetes mellitus. Identifiers: MedGen C0011854, MONDO:0005147, OMIM 222100, HP:0100651.
Hepatic adenomas, familial. Also called: LIVER CELL ADENOMAS, FAMILIAL; HEPATIC ADENOMA, SOMATIC. Identifiers: MedGen C1840646, MONDO:0007718, OMIM 142330.
Type 1 diabetes mellitus 20 (T1D20). Also called: Diabetes mellitus, insulin-dependent, 20. Identifiers: MedGen C2675866, MONDO:0012919, OMIM 612520.
Nonpapillary renal cell carcinoma. Identifiers: Orphanet 422526, MedGen CN074294, MONDO:0007763, OMIM 144700.
Maturity-onset diabetes of the young type 3. Also called: MODY type 3; MODY, type III. Identifiers: Orphanet 552, MedGen C1838100, MeSH C563933, MONDO:0010894, OMIM 600496. Disease mechanism: loss of function.
Type 2 diabetes mellitus. Also called: Type II diabetes mellitus. Identifiers: MedGen C0011860, MeSH D003924, MONDO:0005148, OMIM 125853, HP:0005978.

Allele frequency attached by ClinVar (database versions not stated): gnomAD 0.00001; TOPMed 0.00001.
gnomAD v4.1: 2 of 1,612,840 alleles (0.00012%); highest among the groups gnomAD compares: African/African-American, 0.0013%; no homozygotes.

Submissions (2):

ClinGen Monogenic Diabetes Variant Curation Expert Panel
Classification: Uncertain significance for Monogenic diabetes. Last evaluated: 2026-02-06. Review status: reviewed by expert panel. Criteria: ClinGen Diabetes ACMG Specifications HNF1A V3.1.0. Collection method: curation. Allele origin: germline. Inheritance: Autosomal dominant inheritance.
Comment: The c.140G>A variant in the HNF1 homeobox A gene, HNF1A, causes an amino acid change of glycine to glutamate at codon 47 (p.(Gly47Glu)) of NM_000545.8. This variant has an incomputable gnomAD v4.1.0 Grpmax filtering allele frequency due to 1 copy in the European non-Finnish and African/African American subpopulations, thereby meeting the ClinGen MDEP threshold criteria for PM2_Supporting (Grpmax FAF <= 0.000003). This variant has a REVEL score of 0.603, which is between the ClinGen MDEP thresholds, predicting neither a damaging nor benign impact on HNF1A function. Functional studies demonstrated the p.Gly47Arg protein has normal nuclear localization and transactivation above 75% of wildtype, indicating that this variant does not impact protein function (PMID: 12574234) (BS3_Supporting). This variant was identified in an individual with diabetes; however, the calculated MODY probability is <50%, and so PP4 cannot be applied (PMID: 12574234, internal lab contributor). Other missense variants at the same residue, c.139G>C and c.139G>A (p.(Gly47Arg)), have been classified as a VUS by the ClinGen MDEP; therefore, PM5 does not apply. In summary, c.140G>A meets the criteria to be classified as a variant of uncertain significance for monogenic diabetes. ACMG/AMP criteria applied, as specified by the ClinGen MDEP (specification version 3.1.0, approved 10/10/2025): BS3_Supporting, PM2_supporting

Fulgent Genetics
Classification: Uncertain significance for Type 2 diabetes mellitus; Hepatic adenomas, familial; Nonpapillary renal cell carcinoma; Diabetes mellitus type 1; Maturity-onset diabetes of the young type 3; Type 1 diabetes mellitus 20. Last evaluated: 2022-02-04. Review status: criteria provided, single submitter. Criteria: ACMG Guidelines, 2015. Collection method: clinical testing. Allele origin: unknown. Not counted in ClinVar's aggregate classification.

Literature cited by the submitters: PubMed 12574234 (cited by ClinGen Monogenic Diabetes Variant Curation Expert Panel).